The following is an entry in ClinVar:

NM_001605.3(AARS1):c.1604A>G (p.Tyr535Cys)

Gene: AARS1 (alanyl-tRNA synthetase 1; minus strand). Cytogenetic location: 16q22.1.
Variant type: single nucleotide variant.
Coding change: c.1604A>G on transcript NM_001605.3 (MANE Select); coding-DNA position 1604, A replaced by G.
Protein change: p.Tyr535Cys; replaces tyrosine 535 with cysteine.
Molecular consequence: missense variant.
Genome position (GRCh38, 1-based): chr16:70,262,413, T>C on the plus strand (A>G on the coding strand, the complement: AARS1 is on the minus strand). VCF-style: chr16-70262413-T-C. GRCh37 (hg19) VCF-style: chr16-70296316-T-C.
Other names: c.1604A>G (NM_001605.2); short protein forms Y535C.
Identifiers: ClinVar variation 1042111 (VCV001042111.12), dbSNP rs756650948, ClinGen allele CA8140749.

ClinVar aggregate classification (germline): Uncertain significance. Review status: criteria provided, multiple submitters, no conflicts (2 of 4 stars). 3 submissions from 3 submitters: Uncertain significance (3). Last evaluated 2025-11-26.

Conditions:
Charcot-Marie-Tooth disease type 2. Also called: Charcot-Marie-Tooth type 2. Identifiers: Orphanet 64746, MedGen C0270914, MONDO:0018993.

Allele frequency attached by ClinVar (database versions not stated): gnomAD 0.00001; gnomAD exomes below 0.00001 and 0.00001; ExAC 0.00001; TOPMed 0.00001.
gnomAD v4.1: 13 of 1,614,056 alleles (0.00081%); highest among the groups gnomAD compares: East Asian, 0.0022%; no homozygotes.

Submissions (3):

Labcorp Genetics (formerly Invitae), Labcorp
Classification: Uncertain significance for Charcot-Marie-Tooth disease type 2. Last evaluated: 2025-11-26. Review status: criteria provided, single submitter. Criteria: Invitae Variant Classification Sherloc (09022015). Collection method: clinical testing. Allele origin: germline.
Comment: This sequence change replaces tyrosine, which is neutral and polar, with cysteine, which is neutral and slightly polar, at codon 535 of the AARS protein (p.Tyr535Cys). This variant is present in population databases (rs756650948, gnomAD 0.006%). This variant has not been reported in the literature in individuals affected with AARS-related conditions. ClinVar contains an entry for this variant (Variation ID: 1042111). Invitae Evidence Modeling of protein sequence and biophysical properties (such as structural, functional, and spatial information, amino acid conservation, physicochemical variation, residue mobility, and thermodynamic stability) indicates that this missense variant is expected to disrupt AARS protein function with a positive predictive value of 95%. In summary, the available evidence is currently insufficient to determine the role of this variant in disease. Therefore, it has been classified as a Variant of Uncertain Significance.

GeneDx
Classification: Uncertain significance. Last evaluated: 2023-12-07. Review status: criteria provided, single submitter. Criteria: GeneDx Variant Classification Process June 2021. Collection method: clinical testing. Allele origin: germline. Affected: yes.
Comment: Has not been previously published as pathogenic or benign to our knowledge; In silico analysis supports that this missense variant has a deleterious effect on protein structure/function; This variant is associated with the following publications: (PMID: 25817015)

Revvity Omics, Revvity
Classification: Uncertain significance. Last evaluated: 2022-10-12. Review status: criteria provided, single submitter. Criteria: ACMG Guidelines, 2015. Collection method: clinical testing. Allele origin: germline.